The following is an entry in ClinVar:

ClinVar aggregate classification (germline): Uncertain significance. Review status: criteria provided, single submitter (1 of 4 stars). 2 submissions from 2 submitters: Uncertain significance (1). 1 of the submissions does not count toward it. Last evaluated 2026-01-28.

Conditions:
TNFSF12-related disorder. Also called: TNFSF12-related condition.
Common variable immunodeficiency (CVID). Also called: Common variable hypogamma-globulinemia; Common variable agammaglobulinemia. Identifiers: Orphanet 1572, MedGen C0009447, MONDO:0015517.

Allele frequency attached by ClinVar (database versions not stated): ExAC 0.00001; gnomAD exomes 0.00001 and 0.00002; gnomAD 0.00005 and 0.00006; ESP Exome Variant Server 0.00008; TOPMed 0.00008.
gnomAD v4.1: 30 of 1,613,776 alleles (0.0019%); highest among the groups gnomAD compares: African/African-American, 0.019%; no homozygotes.

Submissions (2):

Labcorp Genetics (formerly Invitae), Labcorp
Classification: Uncertain significance for Common variable immunodeficiency. Last evaluated: 2026-01-28. Review status: criteria provided, single submitter. Criteria: Invitae Variant Classification Sherloc (09022015). Collection method: clinical testing. Allele origin: germline.
Comment: This sequence change replaces alanine, which is neutral and non-polar, with valine, which is neutral and non-polar, at codon 122 of the TNFSF12 protein (p.Ala122Val). This variant is present in population databases (rs145233196, gnomAD 0.02%). This variant has not been reported in the literature in individuals affected with TNFSF12-related conditions. ClinVar contains an entry for this variant (Variation ID: 838148). An algorithm developed to predict the effect of missense changes on protein structure and function (PolyPhen-2) suggests that this variant is likely to be tolerated. In summary, the available evidence is currently insufficient to determine the role of this variant in disease. Therefore, it has been classified as a Variant of Uncertain Significance.

PreventionGenetics, part of Exact Sciences
Classification: Uncertain significance for TNFSF12-related condition. Last evaluated: 2023-11-07. Review status: no assertion criteria provided. Collection method: clinical testing. Allele origin: germline. Not counted in ClinVar's aggregate classification.
Comment: The TNFSF12 c.365C>T variant is predicted to result in the amino acid substitution p.Ala122Val. To our knowledge, this variant has not been reported in the literature. This variant is reported in 0.024% of alleles in individuals of African descent in gnomAD. At this time, the clinical significance of this variant is uncertain due to the absence of conclusive functional and genetic evidence.

NM_003809.3(TNFSF12):c.365C>T (p.Ala122Val)

Genes: TNFSF12 (TNF superfamily member 12; plus strand), TNFSF12-TNFSF13 (TNFSF12-TNFSF13 readthrough; plus strand). Cytogenetic location: 17p13.1.
Variant type: single nucleotide variant.
Coding change: c.365C>T on transcript NM_003809.3 (MANE Select); coding-DNA position 365, C replaced by T.
Protein change: p.Ala122Val; replaces alanine 122 with valine.
Molecular consequence: missense variant. On other transcripts: non-coding transcript variant (1).
Genome position (GRCh38, 1-based): chr17:7,550,970, C>T. VCF-style: chr17-7550970-C-T. GRCh37 (hg19) VCF-style: chr17-7454287-C-T.
Other names: c.365C>T, p.Ala122Val (NM_172089.4); short protein forms A122V.
Identifiers: ClinVar variation 838148 (VCV000838148.12), dbSNP rs145233196, ClinGen allele CA8350789.